The following is an entry in ClinVar:

NM_001242882.2(NAXD):c.489C>T (p.Asp163=)

Gene: NAXD (NAD(P)HX dehydratase; plus strand). Cytogenetic location: 13q34.
Variant type: single nucleotide variant.
Coding change: c.489C>T on transcript NM_001242882.2 (MANE Select); coding-DNA position 489, C replaced by T.
Protein change: p.Asp163=; no amino-acid change (aspartic acid 163 retained).
Molecular consequence: synonymous variant. On other transcripts: non-coding transcript variant (2).
Genome position (GRCh38, 1-based): chr13:110,634,592, C>T. VCF-style: chr13-110634592-C-T. GRCh37 (hg19) VCF-style: chr13-111286939-C-T.
Other names: c.543C>T, p.Asp181= (NM_001242881.2, NM_018210.4); c.213C>T, p.Asp71= (NM_001242883.2); c.543C>T (NM_018210.3).
Identifiers: ClinVar variation 1170922 (VCV001170922.12), dbSNP rs9521879, ClinGen allele CA7051219.

ClinVar aggregate classification (germline): Benign. Review status: criteria provided, multiple submitters, no conflicts (2 of 4 stars). 3 submissions from 3 submitters: Benign (2). 1 of the submissions does not count toward it. Last evaluated 2026-02-01.

Conditions:
NAXD-related disorder. Also called: NAXD-related condition.

Allele frequency attached by ClinVar (database versions not stated): 1000 Genomes Project 30x 0.00625; 1000 Genomes Project 0.00679; TOPMed 0.01351; gnomAD 0.01383 and 0.01395; ESP Exome Variant Server 0.01492; ExAC 0.01521; gnomAD exomes 0.01544 and 0.01932.
gnomAD v4.1: 30,263 of 1,614,138 alleles (1.9%); highest among the groups gnomAD compares: Non-Finnish European, 2.1%; 365 homozygotes.

Submissions (3):

Labcorp Genetics (formerly Invitae), Labcorp
Classification: Benign. Last evaluated: 2026-02-01. Review status: criteria provided, single submitter. Criteria: Invitae Variant Classification Sherloc (09022015). Collection method: clinical testing. Allele origin: germline.

Breakthrough Genomics
Classification: Benign. Review status: criteria provided, single submitter. Criteria: ACMG Guidelines, 2015. Collection method: not provided. Allele origin: germline. Inheritance: Autosomal recessive inheritance. Affected: yes.

PreventionGenetics, part of Exact Sciences
Classification: Benign for NAXD-related condition. Last evaluated: 2019-05-28. Review status: no assertion criteria provided. Collection method: clinical testing. Allele origin: germline. Not counted in ClinVar's aggregate classification.
Comment: This variant is classified as benign based on ACMG/AMP sequence variant interpretation guidelines (Richards et al. 2015 PMID: 25741868, with internal and published modifications).